The following is an entry in ClinVar:

ClinVar aggregate classification (germline): Pathogenic. Review status: criteria provided, single submitter (1 of 4 stars). 2 submissions from 1 submitter: Pathogenic (2). Last evaluated 2017-01-01.

Conditions:
CHARGE syndrome (CHARGE). Also called: Hittner Hirsch Kreh syndrome; Coloboma, heart anomaly, choanal atresia, retardation, genital and ear anomalies; CHARGE association; Hall-Hittner syndrome; CHARGE ASSOCIATION--COLOBOMA, HEART ANOMALY, CHOANAL ATRESIA, RETARDATION, GENITAL AND EAR ANOMALIES. Identifiers: Orphanet 138, MedGen C0265354, MONDO:0008965.
Pulmonary artery atresia. Also called: Pulmonary atresia. Identifiers: MedGen C0265908, HP:0004935.
Hearing impairment. Also called: Impaired Hearing. Identifiers: MedGen C1384666, MONDO:0005365, HP:0000365.
Retinal coloboma. Also called: Bilateral retinal coloboma; Coloboma of the retina. Identifiers: MedGen C3540764, HP:0000480.
Chorioretinal coloboma. Identifiers: MedGen C0240896, HP:0000567.

Submissions (2):

Centre for Mendelian Genomics, University Medical Centre Ljubljana
Classification: Pathogenic for Chorioretinal coloboma; Hearing impairment; Pulmonary artery atresia; Retinal coloboma. Last evaluated: 2017-01-01. Review status: criteria provided, single submitter. Criteria: ACMG Guidelines, 2015. Collection method: clinical testing. Allele origin: unknown. Affected: yes.

Centre for Mendelian Genomics, University Medical Centre Ljubljana
Classification: Pathogenic for CHD7-related CHARGE syndrome. Last evaluated: 2016-01-01. Review status: criteria provided, single submitter. Criteria: ACMG Guidelines, 2015. Collection method: clinical testing. Allele origin: unknown. Affected: yes.
Comment: This variant was classified as: Pathogenic.

NM_017780.4(CHD7):c.1513C>T (p.Gln505Ter)

Gene: CHD7 (chromodomain helicase DNA binding protein 7; plus strand). Cytogenetic location: 8q12.2.
Variant type: single nucleotide variant.
Coding change: c.1513C>T on transcript NM_017780.4 (MANE Select); coding-DNA position 1513, C replaced by T.
Protein change: p.Gln505Ter; replaces glutamine 505 with a stop codon.
Molecular consequence: nonsense.
Genome position (GRCh38, 1-based): chr8:60,742,945, C>T. VCF-style: chr8-60742945-C-T. GRCh37 (hg19) VCF-style: chr8-61655504-C-T.
Other names: c.1513C>T, p.Gln505Ter (NM_001316690.1); short protein forms Q505*.
Identifiers: ClinVar variation 523521 (VCV000523521.4), dbSNP rs1554581757, ClinGen allele CA371303285.
Genomic context (GRCh38, chr8:60,742,945, plus strand): 5'-CTTGGAGACCCACAAGCAATCCAGGAACGACTGATACCTGGCCAACAACATCCTGGTCAA[C>T]AGCCATCTTTTCAGCAGTTGCCAACCTGTCCTCCACTGCAGCCTCACCCGGGCTTGCACC-3'